The following is an entry in ClinVar:

NM_000520.6(HEXA):c.364G>C (p.Asp122His)

Gene: HEXA (hexosaminidase subunit alpha; minus strand). Cytogenetic location: 15q23.
Variant type: single nucleotide variant.
Coding change: c.364G>C on transcript NM_000520.6 (MANE Select); coding-DNA position 364, G replaced by C.
Protein change: p.Asp122His; replaces aspartic acid 122 with histidine.
Molecular consequence: missense variant. On other transcripts: non-coding transcript variant (1).
Genome position (GRCh38, 1-based): chr15:72,355,607, C>G on the plus strand (G>C on the coding strand, the complement: HEXA is on the minus strand). VCF-style: chr15-72355607-C-G. GRCh37 (hg19) VCF-style: chr15-72647948-C-G.
Other names: c.397G>C, p.Asp133His (NM_001318825.2); short protein forms D122H, D133H.
Identifiers: ClinVar variation 2087088 (VCV002087088.1), dbSNP rs2088766688, ClinGen allele CA393066760.

ClinVar aggregate classification (germline): Uncertain significance (1 of 4 stars; one submission).

Conditions:
Tay-Sachs disease (TSD). Also called: HEXA DEFICIENCY; GM2 gangliosidosis, type 1; HEXA Disorders; Hexosaminidase alpha-subunit deficiency (variant B); Sphingolipidosis, Tay-Sachs; Hexosaminidase A Deficiency. Identifiers: Orphanet 845, MedGen C0039373, MONDO:0010100, OMIM 272800.

Allele frequency attached by ClinVar (database versions not stated): gnomAD 0.00001.
gnomAD v4.1: 2 of 1,610,698 alleles (0.00012%); highest among the groups gnomAD compares: African/African-American, 0.0027%; no homozygotes.

Submission:

Labcorp Genetics (formerly Invitae), Labcorp
Classification: Uncertain significance for Tay-Sachs disease. Last evaluated: 2022-01-13. Review status: criteria provided, single submitter. Criteria: Invitae Variant Classification Sherloc (09022015). Collection method: clinical testing. Allele origin: germline.
Comment: This sequence change replaces aspartic acid, which is acidic and polar, with histidine, which is basic and polar, at codon 122 of the HEXA protein (p.Asp122His). This variant is not present in population databases (gnomAD no frequency). This variant has not been reported in the literature in individuals affected with HEXA-related conditions. Algorithms developed to predict the effect of missense changes on protein structure and function are either unavailable or do not agree on the potential impact of this missense change (SIFT: "Tolerated"; PolyPhen-2: "Possibly Damaging"; Align-GVGD: "Class C0"). In summary, the available evidence is currently insufficient to determine the role of this variant in disease. Therefore, it has been classified as a Variant of Uncertain Significance.